The following is an entry in ClinVar:

NM_181872.6(DMRT2):c.23C>T (p.Ser8Phe)

Gene: DMRT2 (doublesex and mab-3 related transcription factor 2; plus strand). Cytogenetic location: 9p24.3.
Variant type: single nucleotide variant.
Coding change: c.23C>T on transcript NM_181872.6 (MANE Select); coding-DNA position 23, C replaced by T.
Protein change: p.Ser8Phe; replaces serine 8 with phenylalanine.
Molecular consequence: missense variant. On other transcripts: 5 prime UTR variant (1), non-coding transcript variant (1).
Genome position (GRCh38, 1-based): chr9:1,051,636, C>T. VCF-style: chr9-1051636-C-T. GRCh37 (hg19) VCF-style: chr9-1051636-C-T.
Other names: c.23C>T, p.Ser8Phe (NM_001130865.3, NM_001370531.1, NM_001370533.1 and 4 more transcripts); c.-628C>T (NM_001370532.1); short protein forms S8F.
Identifiers: ClinVar variation 2250925 (VCV002250925.5), dbSNP rs756909068, ClinGen allele CA4962273.
Genomic context (GRCh38, chr9:1,051,636, plus strand): 5'-GGCCGCCAGGCTCAGGCCCCAGCGAAGCCCCGAGCGCCATGGCCGACCCGCAGGCTGGCT[C>T]CGCGGCCGGGGACTGGGAGATCGATGTCGAGAGCCTGGAGCTGGAAGAGGACGTCTGCGG-3'
Protein context (NP_870987.2, residues 1-18): MADPQAG[Ser8Phe]AAGDWEIDVE

ClinVar aggregate classification (germline): Uncertain significance. Review status: criteria provided, multiple submitters, no conflicts (2 of 4 stars). 2 submissions from 2 submitters: Uncertain significance (2). Last evaluated 2024-01-08.

Allele frequency attached by ClinVar (database versions not stated): ExAC 0.00003; gnomAD 0.00003; TOPMed 0.00004.
gnomAD v4.1: 14 of 1,563,844 alleles (0.0009%); highest among the groups gnomAD compares: African/African-American, 0.014%; no homozygotes.

Submissions (2):

Labcorp Genetics (formerly Invitae), Labcorp
Classification: Uncertain significance. Last evaluated: 2024-01-08. Review status: criteria provided, single submitter. Criteria: Invitae Variant Classification Sherloc (09022015). Collection method: clinical testing. Allele origin: germline.
Comment: This sequence change replaces serine, which is neutral and polar, with phenylalanine, which is neutral and non-polar, at codon 8 of the DMRT2 protein (p.Ser8Phe). This variant is present in population databases (rs756909068, gnomAD 0.02%). This variant has not been reported in the literature in individuals affected with DMRT2-related conditions. ClinVar contains an entry for this variant (Variation ID: 2250925). An algorithm developed to predict the effect of missense changes on protein structure and function (PolyPhen-2) suggests that this variant is likely to be tolerated. In summary, the available evidence is currently insufficient to determine the role of this variant in disease. Therefore, it has been classified as a Variant of Uncertain Significance.

Ambry Genetics
Classification: Uncertain significance. Last evaluated: 2021-09-16. Review status: criteria provided, single submitter. Criteria: Ambry Variant Classification Scheme 2023. Collection method: clinical testing. Allele origin: germline.